The following is an entry in ClinVar:

ClinVar aggregate classification (germline): Pathogenic. Review status: reviewed by expert panel (3 of 4 stars). 2 submissions from 2 submitters: Pathogenic (1). 1 of the submissions does not count toward it. Last evaluated 2016-10-18.

Conditions:
Breast-ovarian cancer, familial, susceptibility to, 2 (BROVCA2). Also called: BRCA2 Hereditary Breast and Ovarian Cancer. Identifiers: Orphanet 145, MedGen C2675520, MONDO:0012933, OMIM 612555. Disease mechanism: loss of function.

Submissions (2):

Evidence-based Network for the Interpretation of Germline Mutant Alleles (ENIGMA)
Classification: Pathogenic for Breast-ovarian cancer, familial, susceptibility to, 2. Last evaluated: 2016-10-18. Review status: reviewed by expert panel. Criteria: ENIGMA BRCA1/2 Classification Criteria (2015). Collection method: curation. Allele origin: germline.
Comment: Variant allele predicted to encode a truncated non-functional protein.

Consortium of Investigators of Modifiers of BRCA1/2 (CIMBA), c/o University of Cambridge
Classification: Pathogenic for Breast-ovarian cancer, familial, susceptibility to, 2. Last evaluated: 2015-10-02. Review status: criteria provided, single submitter. Criteria: CIMBA Mutation Classification guidelines May 2016. Collection method: clinical testing. Allele origin: germline. Not counted in ClinVar's aggregate classification.

NM_000059.4(BRCA2):c.6199del (p.Ser2067fs)

Gene: BRCA2 (BRCA2 DNA repair associated; plus strand). Cytogenetic location: 13q13.1.
Variant type: Deletion.
Coding change: c.6199del on transcript NM_000059.4 (MANE Select); coding-DNA position 6199, one base deleted (T; older notation c.6199delT).
Protein change: p.Ser2067fs; shifts the reading frame from serine 2067.
Molecular consequence: frameshift variant.
Genome position (GRCh38, 1-based): chr13:32,340,554, T deleted; the last of 3 consecutive T bases (chr13:32,340,552-32,340,554); deleting any one gives the same sequence. VCF-style (leftmost placement, unchanged base first): chr13-32340551-GT-G. GRCh37 (hg19) VCF-style: chr13-32914688-GT-G.
Other names: 6427delT- ter2069; short protein forms S2067fs.
Identifiers: ClinVar variation 266929 (VCV000266929.5), dbSNP rs80359564, ClinGen allele CA10589359.
Genomic context (GRCh38, chr13:32,340,551, plus strand): 5'-TCATATAATGTGGTAAATTCATCTGCTTTCTCTGGATTTAGTACAGCAAGTGGAAAGCAA[GT>G]TTCCATTTTAGAAAGTTCCTTACACAAAGTTAAGGGAGTGTTAGAGGAATTTGATTTAAT-3'